The following is an entry in ClinVar:

ClinVar aggregate classification (germline): Uncertain significance (1 of 4 stars; one submission).

Conditions:
BBS5-related disorder. Also called: BBS5-related condition.

Submission:

PreventionGenetics, part of Exact Sciences
Classification: Uncertain significance for BBS5-related condition. Last evaluated: 2025-03-12. Review status: criteria provided, single submitter. Criteria: ACMG Guidelines, 2015. Collection method: clinical testing. Allele origin: germline.
Comment: The BBS5 c.452A>G variant is predicted to result in the amino acid substitution p.Gln151Arg. To our knowledge, this variant has not been reported in the literature or in a large population database (gnomAD), indicating this variant is rare. At this time, the clinical significance of this variant is uncertain due to the absence of conclusive functional and genetic evidence.

NM_152384.3(BBS5):c.452A>G (p.Gln151Arg)

Gene: BBS5 (Bardet-Biedl syndrome 5; plus strand). Cytogenetic location: 2q31.1.
Variant type: single nucleotide variant.
Coding change: c.452A>G on transcript NM_152384.3 (MANE Select); coding-DNA position 452, A replaced by G.
Protein change: p.Gln151Arg; replaces glutamine 151 with arginine.
Molecular consequence: missense variant.
Genome position (GRCh38, 1-based): chr2:169,492,939, A>G. VCF-style: chr2-169492939-A-G. GRCh37 (hg19) VCF-style: chr2-170349449-A-G.
Other names: short protein forms Q151R.
Identifiers: ClinVar variation 4999606 (VCV004999606.1).